The following is an entry in ClinVar:

ClinVar aggregate classification (germline): Uncertain significance (1 of 4 stars; one submission).

Conditions:
Cardiac arrhythmia. Also called: Arrhythmia; Cardiac rhythm disease. Identifiers: MedGen C0003811, MONDO:0007263, HP:0011675.

Submission:

Color Diagnostics, LLC DBA Color Health
Classification: Uncertain significance for Cardiac arrhythmia. Last evaluated: 2020-12-08. Review status: criteria provided, single submitter. Criteria: ACMG Guidelines, 2015. Collection method: clinical testing. Allele origin: germline.
Comment: This variant causes an A to C nucleotide substitution at the +4 position of intron 13 of the KCNH2 gene. Splice site prediction tools are inconclusive regarding the impact of this variant on RNA splicing. To our knowledge, functional studies have not been reported for this variant. This variant has not been reported in individuals affected with cardiovascular disorders in the literature. This variant has not been identified in the general population by the Genome Aggregation Database (gnomAD). The available evidence is insufficient to determine the role of this variant in disease conclusively. Therefore, this variant is classified as a Variant of Uncertain Significance.

NM_000238.4(KCNH2):c.3152+4A>C

Gene: KCNH2 (potassium voltage-gated channel subfamily H member 2; minus strand). Cytogenetic location: 7q36.1.
Variant type: single nucleotide variant.
Coding change: c.3152+4A>C on transcript NM_000238.4 (MANE Select); 4 bases into the intron after coding-DNA position 3152, A replaced by C.
Molecular consequence: intron variant.
Genome position (GRCh38, 1-based): chr7:150,947,324, T>G on the plus strand (A>C on the coding strand, the complement: KCNH2 is on the minus strand). VCF-style: chr7-150947324-T-G. GRCh37 (hg19) VCF-style: chr7-150644412-T-G.
Other names: c.2132+4A>C (NM_172057.3).
Identifiers: ClinVar variation 1172457 (VCV001172457.4), dbSNP rs2116928055, ClinGen allele CA2499218781.
Genomic context (GRCh38, chr7:150,947,324, plus strand): 5'-AACACCGCCAGGACCTGGACCAGACTCCAGGGCGTGCCCCCCCACCCCACCTGCACTCCC[T>G]CACCTGTTGAGCTGGCGCTGGAGGGCATCCAGCCTGCTCTCCACGTCGCCCCGGGGCCGC-3'